The following is an entry in ClinVar:

NM_006922.4(SCN3A):c.3536T>C (p.Phe1179Ser)

Gene: SCN3A (sodium voltage-gated channel alpha subunit 3; minus strand). Cytogenetic location: 2q24.3.
Variant type: single nucleotide variant.
Coding change: c.3536T>C on transcript NM_006922.4 (MANE Select); coding-DNA position 3536, T replaced by C.
Protein change: p.Phe1179Ser; replaces phenylalanine 1179 with serine.
Molecular consequence: missense variant.
Genome position (GRCh38, 1-based): chr2:165,113,949, A>G on the plus strand (T>C on the coding strand, the complement: SCN3A is on the minus strand). VCF-style: chr2-165113949-A-G. GRCh37 (hg19) VCF-style: chr2-165970459-A-G.
Other names: c.3389T>C, p.Phe1130Ser (NM_001081676.2, NM_001081677.2); short protein forms F1179S, F1130S.
Identifiers: ClinVar variation 1420872 (VCV001420872.8), dbSNP rs1377399438, ClinGen allele CA349034244.

ClinVar aggregate classification (germline): Uncertain significance (1 of 4 stars; one submission).

Allele frequency attached by ClinVar (database versions not stated): TOPMed below 0.00001; gnomAD 0.00001.
gnomAD v4.1: 1 of 1,607,164 alleles (0.000062%); highest among the groups gnomAD compares: African/African-American, 0.0013%; no homozygotes.

Submission:

Labcorp Genetics (formerly Invitae), Labcorp
Classification: Uncertain significance. Last evaluated: 2020-11-04. Review status: criteria provided, single submitter. Criteria: Invitae Variant Classification Sherloc (09022015). Collection method: clinical testing. Allele origin: germline.
Comment: In summary, the available evidence is currently insufficient to determine the role of this variant in disease. Therefore, it has been classified as a Variant of Uncertain Significance. Algorithms developed to predict the effect of missense changes on protein structure and function (SIFT, PolyPhen-2, Align-GVGD) all suggest that this variant is likely to be tolerated, but these predictions have not been confirmed by published functional studies and their clinical significance is uncertain. This variant has not been reported in the literature in individuals with SCN3A-related conditions. This variant is not present in population databases (ExAC no frequency). This sequence change replaces phenylalanine with serine at codon 1179 of the SCN3A protein (p.Phe1179Ser). The phenylalanine residue is moderately conserved and there is a large physicochemical difference between phenylalanine and serine.